The following is an entry in ClinVar:

ClinVar aggregate classification (germline): Pathogenic (1 of 4 stars; one submission).

Conditions:
Hereditary spastic paraplegia 4. Also called: Spastic paraplegia 4, autosomal dominant; Spastic Paraplegia 4; Familial spastic paraplegia autosomal dominant 2. Identifiers: Orphanet 100985, MedGen C1866855, MONDO:0008438, OMIM 182601.

Submission:

Labcorp Genetics (formerly Invitae), Labcorp
Classification: Pathogenic for Hereditary spastic paraplegia 4. Last evaluated: 2021-04-10. Review status: criteria provided, single submitter. Criteria: Invitae Variant Classification Sherloc (09022015). Collection method: clinical testing. Allele origin: germline.
Comment: For these reasons, this variant has been classified as Pathogenic. This variant has not been reported in the literature in individuals with SPAST-related conditions. This variant is a gross deletion of the genomic region encompassing exon(s) 14 of the SPAST gene. This deletion is out-of-frame, and is expected to create a premature translational stop signal and result in an absent or disrupted protein product. Loss-of-function variants in SPAST are known to be pathogenic (PMID: 20932283).

Literature cited by the submitters: PubMed 20932283.

NC_000002.11:g.(?_32368385)_(32368504_?)del

Gene: SPAST (spastin; plus strand). Cytogenetic location: 2p22.3.
Variant type: Deletion.
Identifiers: ClinVar variation 1458050 (VCV001458050.6).